The following is an entry in ClinVar:

ClinVar aggregate classification (germline): Pathogenic (1 of 4 stars; one submission).

Submission:

Labcorp Genetics (formerly Invitae), Labcorp
Classification: Pathogenic. Last evaluated: 2022-04-19. Review status: criteria provided, single submitter. Criteria: Invitae Variant Classification Sherloc (09022015). Collection method: clinical testing. Allele origin: germline.
Comment: For these reasons, this variant has been classified as Pathogenic. Algorithms developed to predict the effect of sequence changes on RNA splicing suggest that this variant may disrupt the consensus splice site. Disruption of this splice site has been observed in individual(s) with Stargardt disease (Invitae). This variant is not present in population databases (gnomAD no frequency). This sequence change affects a donor splice site in intron 23 of the PROM1 gene. It is expected to disrupt RNA splicing. Variants that disrupt the donor or acceptor splice site typically lead to a loss of protein function (PMID: 16199547), and loss-of-function variants in PROM1 are known to be pathogenic (PMID: 17605048, 19718270, 24154662, 25474345).

Literature cited by the submitters: PubMed 16199547; PubMed 17605048; PubMed 19718270; PubMed 24154662; PubMed 25474345.

NM_006017.3(PROM1):c.2489+1G>A

Gene: PROM1 (prominin 1; minus strand). Cytogenetic location: 4p15.32.
Variant type: single nucleotide variant.
Coding change: c.2489+1G>A on transcript NM_006017.3 (MANE Select); the canonical splice donor site of the intron after coding-DNA position 2489, G replaced by A.
Molecular consequence: splice donor variant.
Genome position (GRCh38, 1-based): chr4:15,980,421, C>T on the plus strand (G>A on the coding strand, the complement: PROM1 is on the minus strand). VCF-style: chr4-15980421-C-T. GRCh37 (hg19) VCF-style: chr4-15982044-C-T.
Other names: c.2462+1G>A (NM_001145848.2, NM_001145852.2, NM_001145847.2 and 4 more transcripts); c.2489+1G>A (NM_001145850.2, NM_001145849.2).
Identifiers: ClinVar variation 2096157 (VCV002096157.4), dbSNP rs2474888258, ClinGen allele CA356426297.
Genomic context (GRCh38, chr4:15,980,421, plus strand): 5'-TCTTTGAAGACAGCACCACCTAGAAAATGACCCCCACGTCTGTGGAAGCCCACATACTTA[C>T]TCATCGTACACGTCCTCCGAATCCATTCGACGATAGTACTTAGCCAGTTTTACCGCAAAA-3'